The following is an entry in ClinVar:

NM_000069.3(CACNA1S):c.5290GAG[1] (p.Glu1765del)

Gene: CACNA1S (calcium voltage-gated channel subunit alpha1 S; minus strand). Cytogenetic location: 1q32.1.
Variant type: Microsatellite.
Coding change: c.5290GAG[1] on transcript NM_000069.3 (MANE Select); one copy of the 3-base unit GAG starting at c.5290; the reference has two copies in a row; one copy, 3 bases deleted.
Protein change: p.Glu1765del; deletes glutamic acid 1765.
Molecular consequence: inframe deletion.
Genome position (GRCh38, 1-based): chr1:201,040,306-201,040,308, CTC deleted on the plus strand (GAG on the coding strand, the reverse complement: CACNA1S is on the minus strand); deleting any 3 consecutive bases within chr1:201,040,306-201,040,311 gives the same sequence; the position shown is the placement nearest the transcript's 3' end. VCF-style (leftmost placement, unchanged base first): chr1-201040305-TCTC-T. GRCh37 (hg19) VCF-style: chr1-201009433-TCTC-T.
Other names: short protein forms E1765del.
Identifiers: ClinVar variation 2931724 (VCV002931724.3), dbSNP rs781009324, ClinGen allele CA083799.
Genomic context (GRCh38, chr1:201,040,305, plus strand): 5'-GGGCTGTAGCTGGTGCTGAGCACCTGGAAGTATTCTCCCTGGTGCTCCTGCTGTGGGGTG[TCTC>T]CTCATGAAGAGACCCTGGTGTGGAGCTCTTTCTGTCCTCAGGCATGGAGGACTCCACCCT-3'

ClinVar aggregate classification (germline): Uncertain significance (1 of 4 stars; one submission).

Conditions:
Malignant hyperthermia, susceptibility to, 5 (MHS5). Also called: CACNA1S-Related Malignant Hyperthermia Susceptibility. Identifiers: Orphanet 423, MedGen C1866077, MONDO:0011163, OMIM 601887.
Hypokalemic periodic paralysis, type 1. Also called: Hypokalemic Periodic Paralysis Type 1 (AD); HypoPP. Identifiers: Orphanet 681, MedGen C3714580, MONDO:0042979, OMIM 170400.

Submission:

Labcorp Genetics (formerly Invitae), Labcorp
Classification: Uncertain significance for Hypokalemic periodic paralysis, type 1; Malignant hyperthermia, susceptibility to, 5. Last evaluated: 2023-08-25. Review status: criteria provided, single submitter. Criteria: Invitae Variant Classification Sherloc (09022015). Collection method: clinical testing. Allele origin: germline.
Comment: In summary, the available evidence is currently insufficient to determine the role of this variant in disease. Therefore, it has been classified as a Variant of Uncertain Significance. Experimental studies and prediction algorithms are not available or were not evaluated, and the functional significance of this variant is currently unknown. This variant has not been reported in the literature in individuals affected with CACNA1S-related conditions. This variant is present in population databases (rs781009324, gnomAD 0.007%). This variant, c.5293_5295del, results in the deletion of 1 amino acid(s) of the CACNA1S protein (p.Glu1765del), but otherwise preserves the integrity of the reading frame.